The following is an entry in ClinVar:

NM_001110556.2(FLNA):c.7135T>C (p.Tyr2379His)

Gene: FLNA (filamin A; minus strand). Cytogenetic location: Xq28.
Variant type: single nucleotide variant.
Coding change: c.7135T>C on transcript NM_001110556.2 (MANE Select); coding-DNA position 7135, T replaced by C.
Protein change: p.Tyr2379His; replaces tyrosine 2379 with histidine.
Molecular consequence: missense variant.
Genome position (GRCh38, 1-based): chrX:154,350,930, A>G on the plus strand (T>C on the coding strand, the complement: FLNA is on the minus strand). VCF-style: chrX-154350930-A-G. GRCh37 (hg19) VCF-style: chrX-153579298-A-G.
Other names: c.7111T>C, p.Tyr2371His (NM_001456.4); short protein forms Y2371H, Y2379H.
Identifiers: ClinVar variation 213484 (VCV000213484.11), dbSNP rs781881872, ClinGen allele CA324986.
Genomic context (GRCh38, chrX:154,350,930, plus strand): 5'-CCAGCAGGGCAGGGCGGCCGGGCAGGGACAGGGCCTCACCTTGGTCAATTTCTGTGACAT[A>G]GCACTCCTCCAGGGCTCCTGAGGGGCTGTGCACCTTGGCATCGATCGCCCCCTTGGCCCC-3'
Protein context (NP_001104026.1, residues 2369-2389): HSPSGALEEC[Tyr2379His]VTEIDQDKYA

ClinVar aggregate classification (germline): Conflicting classifications of pathogenicity. Review status: criteria provided, conflicting classifications (1 of 4 stars). 3 submissions from 3 submitters: Uncertain significance (2); Benign (1). Last evaluated 2026-06-09.

Conditions:
Familial thoracic aortic aneurysm and aortic dissection (TAAD). Also called: Thoracic aortic aneurysms and dissections. Identifiers: Orphanet 91387, MedGen C4707243, MONDO:0019625.
Heterotopia, periventricular, X-linked dominant (PVNH1). Also called: PERIVENTRICULAR NODULAR HETEROTOPIA 4; HETEROTOPIA, PERIVENTRICULAR, 1; X-linked periventricular heterotopia; PERIVENTRICULAR NODULAR HETEROTOPIA 1. Identifiers: Orphanet 2149, Orphanet 82004, MedGen C1848213, MONDO:0010233, OMIM 300049.
Oto-palato-digital syndrome, type II (OPD2). Also called: Otopalatodigital Syndrome, Type II; Otopalatodigital Syndrome Type 2 (FLNA-OPD2); FACIOPALATOOSSEOUS SYNDROME; OPD II SYNDROME. Identifiers: Orphanet 669, Orphanet 90652, MedGen C1844696, MONDO:0010571, OMIM 304120.
Frontometaphyseal dysplasia (FMD1). Identifiers: Orphanet 1826, MedGen C0265293, MONDO:0015942.
Melnick-Needles syndrome (MNS). Also called: Melnick-Needles Syndrome (FLNA-MNS); MELNICK-NEEDLES OSTEODYSPLASTY; OSTEODYSPLASTY OF MELNICK AND NEEDLES. Identifiers: Orphanet 2484, MedGen C0025237, MONDO:0010650, OMIM 309350.

Allele frequency attached by ClinVar (database versions not stated): 1000 Genomes Project 30x 0.00021; gnomAD exomes 0.00002 and 0.00001; 1000 Genomes Project 0.00026; ExAC 0.00001; gnomAD 0.00010; TOPMed 0.00012.
gnomAD v4.1: 17 of 1,209,968 alleles (0.0014%); highest among the groups gnomAD compares: African/African-American, 0.026%; no homozygotes.

Submissions (3):

Ambry Genetics
Classification: Uncertain significance for Familial thoracic aortic aneurysm and aortic dissection. Last evaluated: 2026-06-09. Review status: criteria provided, single submitter. Criteria: Ambry Variant Classification Scheme 2023. Collection method: clinical testing. Allele origin: germline.
Comment: The p.Y2371H variant (also known as c.7111T>C), located in coding exon 42 of the FLNA gene, results from a T to C substitution at nucleotide position 7111. The tyrosine at codon 2371 is replaced by histidine, an amino acid with similar properties. This amino acid position is conserved. In addition, this alteration is predicted to be tolerated by in silico analysis. Based on the available evidence, the clinical significance of this variant remains unclear.

Labcorp Genetics (formerly Invitae), Labcorp
Classification: Benign for Oto-palato-digital syndrome, type II; Heterotopia, periventricular, X-linked dominant; Frontometaphyseal dysplasia; Melnick-Needles syndrome. Last evaluated: 2025-08-11. Review status: criteria provided, single submitter. Criteria: Invitae Variant Classification Sherloc (09022015). Collection method: clinical testing. Allele origin: germline.

Women's Health and Genetics/Laboratory Corporation of America, LabCorp
Classification: Uncertain significance. Last evaluated: 2024-11-04. Review status: criteria provided, single submitter. Criteria: LabCorp Variant Classification Summary - May 2015. Collection method: clinical testing. Allele origin: germline.